The following is an entry in ClinVar:

ClinVar aggregate classification (germline): Uncertain significance (1 of 4 stars; one submission).

Conditions:
Cardiomyopathy (CMYO). Also called: Cardiomyopathies. Identifiers: Orphanet 167848, MedGen C0878544, MONDO:0004994, HP:0001638. Inheritance: Various modes of inheritance.

Submission:

Color Diagnostics, LLC DBA Color Health
Classification: Uncertain significance for Cardiomyopathy. Last evaluated: 2024-03-07. Review status: criteria provided, single submitter. Criteria: ACMG Guidelines, 2015. Collection method: clinical testing. Allele origin: germline.
Comment: This missense variant replaces valine with isoleucine at codon 623 of the RYR2 protein. Computational prediction suggests that this variant may not impact protein structure and function (internally defined REVEL score threshold <= 0.5, PMID: 27666373). To our knowledge, functional studies have not been reported for this variant. This variant has not been reported in individuals affected with cardiovascular disorders in the literature. This variant has not been identified in the general population by the Genome Aggregation Database (gnomAD). The available evidence is insufficient to determine the role of this variant in disease conclusively. Therefore, this variant is classified as a Variant of Uncertain Significance.

NM_001035.3(RYR2):c.1867G>A (p.Val623Ile)

Gene: RYR2 (ryanodine receptor 2; plus strand). Cytogenetic location: 1q43.
Variant type: single nucleotide variant.
Coding change: c.1867G>A on transcript NM_001035.3 (MANE Select); coding-DNA position 1867, G replaced by A.
Protein change: p.Val623Ile; replaces valine 623 with isoleucine.
Molecular consequence: missense variant.
Genome position (GRCh38, 1-based): chr1:237,492,993, G>A. VCF-style: chr1-237492993-G-A. GRCh37 (hg19) VCF-style: chr1-237656293-G-A.
Other names: short protein forms V623I.
Identifiers: ClinVar variation 2774250 (VCV002774250.2), dbSNP rs2545802703, ClinGen allele CA345389392.